The following is an entry in ClinVar:

ClinVar aggregate classification (germline): Pathogenic (1 of 4 stars; one submission).

Conditions:
Severe myoclonic epilepsy in infancy (DRVT). Also called: Epileptic encephalopathy, early infantile, 6 (Dravet syndrome); SEVERE MYOCLONIC EPILEPSY OF INFANCY; DEVELOPMENTAL AND EPILEPTIC ENCEPHALOPATHY 6A; Severe Myoclonic Epilepsy in Infancy (SMEI); Dravet syndrome. Identifiers: Orphanet 33069, MedGen C0751122, MONDO:0100135, OMIM 607208.

Submission:

Center for Bioinformatics, Peking University
Classification: Pathogenic for Dravet syndrome. Last evaluated: 2014-12-20. Review status: criteria provided, single submitter. Criteria: Xu et al. (Hum Mutat. 2015). Collection method: research. Allele origin: de novo. Affected: yes. Observed: 1 variant allele. Study: University Clinical Cooperation “985 Project” PKU-2014-1-1.
Comment: Dravet syndrome (DS) probands were recruited from the outpatient and inpatient child neurology units of Peking University First Hospital from 2005 till present. The study was approved by the Ethics Committee of Peking University First Hospital and the Institutional Review Board at Peking University. Participants or their parents provided written informed consent before enrollment. We collected a total of 267 mutations from 255 families with probands diagnosed with DS in China. All probands fulfilled the clinical diagnostic criteria.

NM_001165963.4(SCN1A):c.1048A>G (p.Met350Val)

Gene: SCN1A (sodium voltage-gated channel alpha subunit 1; minus strand). Cytogenetic location: 2q24.3.
Variant type: single nucleotide variant.
Coding change: c.1048A>G on transcript NM_001165963.4 (MANE Select); coding-DNA position 1048, A replaced by G.
Protein change: p.Met350Val; replaces methionine 350 with valine.
Molecular consequence: missense variant. On other transcripts: 5 prime UTR variant (1), non-coding transcript variant (1).
Genome position (GRCh38, 1-based): chr2:166,047,749, T>C on the plus strand (A>G on the coding strand, the complement: SCN1A is on the minus strand). VCF-style: chr2-166047749-T-C. GRCh37 (hg19) VCF-style: chr2-166904259-T-C.
Other names: c.1048A>G, p.Met350Val (NM_001165964.3, NM_001202435.3, NM_001353948.2 and 10 more transcripts); c.-1378A>G (NM_001353961.2); short protein forms M350V.
Identifiers: ClinVar variation 189931 (VCV000189931.1), dbSNP rs794726768, ClinGen allele CA303338.